The following is an entry in ClinVar:

ClinVar aggregate classification (germline): Uncertain significance (1 of 4 stars; one submission).

Submission:

Labcorp Genetics (formerly Invitae), Labcorp
Classification: Uncertain significance. Last evaluated: 2023-04-07. Review status: criteria provided, single submitter. Criteria: Invitae Variant Classification Sherloc (09022015). Collection method: clinical testing. Allele origin: germline.
Comment: In summary, the available evidence is currently insufficient to determine the role of this variant in disease. Therefore, it has been classified as a Variant of Uncertain Significance. Variants that disrupt the consensus splice site are a relatively common cause of aberrant splicing (PMID: 17576681, 9536098). Algorithms developed to predict the effect of sequence changes on RNA splicing suggest that this variant is not likely to affect RNA splicing. This variant has not been reported in the literature in individuals affected with GSN-related conditions. This variant is not present in population databases (gnomAD no frequency). This sequence change affects codon 302 of the GSN mRNA. It is a 'silent' change, meaning that it does not change the encoded amino acid sequence of the GSN protein. This variant also falls at the last nucleotide of exon 6, which is part of the consensus splice site for this exon.

Literature cited by the submitters: PubMed 17576681; PubMed 9536098.

NM_198252.3(GSN):c.753G>A (p.Lys251=)

Gene: GSN (gelsolin; plus strand). Cytogenetic location: 9q33.2.
Variant type: single nucleotide variant.
Coding change: c.753G>A on transcript NM_198252.3 (MANE Select); coding-DNA position 753, G replaced by A.
Protein change: p.Lys251=; no amino-acid change (lysine 251 retained).
Molecular consequence: synonymous variant.
Genome position (GRCh38, 1-based): chr9:121,314,023, G>A. VCF-style: chr9-121314023-G-A. GRCh37 (hg19) VCF-style: chr9-124076301-G-A.
Other names: c.906G>A, p.Lys302= (NM_000177.5); c.753G>A, p.Lys251= (NM_001127662.2, NM_001127664.2, NM_001127665.2 and 10 more transcripts); c.861G>A, p.Lys287= (NM_001127663.2); c.786G>A, p.Lys262= (NM_001127666.2, NM_001127667.2, NM_001353063.2 and 13 more transcripts); c.804G>A, p.Lys268= (NM_001258029.2); c.777G>A, p.Lys259= (NM_001258030.2); c.825G>A, p.Lys275= (NM_001353076.2); c.99G>A, p.Lys33= (NM_001353078.2).
Identifiers: ClinVar variation 2850467 (VCV002850467.3), dbSNP rs2540847201, ClinGen allele CA466957481.
Genomic context (GRCh38, chr9:121,314,023, plus strand): 5'-AGGTACCGAGGACACCGCCAAGGAGGATGCGGCCAACCGCAAGCTGGCCAAGCTCTACAA[G>A]GTGAGCACCAGATGCACTGTCTGCCTGGGCATGGGGTCAGGACAGGGAGGTGGAAGACTT-3'
Protein context (NP_937895.1, residues 241-261): AANRKLAKLY[Lys251=]VSNGAGTMSV